The following is an entry in ClinVar:

ClinVar aggregate classification (germline): Likely pathogenic. Review status: criteria provided, multiple submitters, no conflicts (2 of 4 stars). 2 submissions from 2 submitters: Likely pathogenic (2). Last evaluated 2024-05-19.

Conditions:
Wolman disease (WOLD). Also called: Acid cholesteryl ester hydrolase deficiency, Wolman type; Acid lipase disease; Wolman disease, CESD; Wolman disease with hypolipoproteinemia and acanthocytosis; LYSOSOMAL ACID LIPASE DEFICIENCY, ACUTE INFANTILE; LYSOSOMAL ACID LIPASE DEFICIENCY, COMPLETE. Identifiers: Orphanet 75233, MedGen C0043208, MONDO:0019148, OMIM 620151.
Cholesteryl ester storage disease (CESD). Also called: Childhood/Adult-Onset LAL-D (Cholesterol Ester Storage Disease [CESD]). Identifiers: Orphanet 75234, MedGen C0008384, MONDO:0019149, OMIM 278000.

Submissions (2):

Fulgent Genetics
Classification: Likely pathogenic for Cholesteryl ester storage disease; Wolman disease. Last evaluated: 2024-05-19. Review status: criteria provided, single submitter. Criteria: ACMG Guidelines, 2015. Collection method: clinical testing. Allele origin: germline.

Labcorp Genetics (formerly Invitae), Labcorp
Classification: Likely pathogenic for Wolman disease. Last evaluated: 2023-09-29. Review status: criteria provided, single submitter. Criteria: Invitae Variant Classification Sherloc (09022015). Collection method: clinical testing. Allele origin: germline.
Comment: This variant is not present in population databases (gnomAD no frequency). This sequence change affects a splice site in intron 3 of the LIPA gene. It is expected to disrupt RNA splicing. Variants that disrupt the donor or acceptor splice site typically lead to a loss of protein function (PMID: 16199547), and loss-of-function variants in LIPA are known to be pathogenic (PMID: 23485521). This variant has not been reported in the literature in individuals affected with LIPA-related conditions. In summary, the currently available evidence indicates that the variant is pathogenic, but additional data are needed to prove that conclusively. Therefore, this variant has been classified as Likely Pathogenic. Algorithms developed to predict the effect of sequence changes on RNA splicing suggest that this variant may disrupt the consensus splice site.

Literature cited by the submitters: PubMed 16199547 (cited by Labcorp Genetics (formerly Invitae), Labcorp); PubMed 23485521 (cited by Labcorp Genetics (formerly Invitae), Labcorp).

NM_000235.4(LIPA):c.230-2del

Gene: LIPA (lipase A, lysosomal acid type; minus strand). Cytogenetic location: 10q23.31.
Variant type: Deletion.
Coding change: c.230-2del on transcript NM_000235.4 (MANE Select); the canonical splice acceptor site of the intron before coding-DNA position 230, one base deleted (A; older notation c.230-2delA).
Molecular consequence: splice acceptor variant.
Genome position (GRCh38, 1-based): chr10:89,228,400, T deleted on the plus strand (A on the coding strand, the reverse complement: LIPA is on the minus strand). VCF-style (leftmost placement, unchanged base first): chr10-89228399-CT-C. GRCh37 (hg19) VCF-style: chr10-90988156-CT-C.
Other names: c.-119-2del (NM_001288979.2); c.230-2del (NM_001127605.3).
Identifiers: ClinVar variation 2981923 (VCV002981923.4), dbSNP rs2495596309, ClinGen allele CA2574605788.